The following is an entry in ClinVar:

ClinVar aggregate classification (germline): Uncertain significance. Review status: criteria provided, multiple submitters, no conflicts (2 of 4 stars). 2 submissions from 2 submitters: Uncertain significance (2). Last evaluated 2025-08-21.

Conditions:
Primary ciliary dyskinesia. Also called: Ciliary dyskinesia. Identifiers: Orphanet 244, MedGen C0008780, MONDO:0016575, HP:0012265.

Allele frequency attached by ClinVar (database versions not stated): gnomAD below 0.00001 and 0.00001; TOPMed 0.00001; ExAC 0.00028.
gnomAD v4.1: 49 of 1,459,926 alleles (0.0034%); highest among the groups gnomAD compares: South Asian, 0.051%; 1 homozygote.

Submissions (2):

Ambry Genetics
Classification: Uncertain significance for Primary ciliary dyskinesia. Last evaluated: 2025-08-21. Review status: criteria provided, single submitter. Criteria: Ambry Variant Classification Scheme 2023. Collection method: clinical testing. Allele origin: germline.

Labcorp Genetics (formerly Invitae), Labcorp
Classification: Uncertain significance for Primary ciliary dyskinesia. Last evaluated: 2018-10-15. Review status: criteria provided, single submitter. Criteria: Invitae Variant Classification Sherloc (09022015). Collection method: clinical testing. Allele origin: germline.
Comment: This variant has not been reported in the literature in individuals with CCDC40-related disease. While this variant is present in population databases (rs776947186), the frequency information is unreliable, as metrics indicate poor data quality at this position in the ExAC database. This sequence change replaces proline with leucine at codon 4 of the CCDC40 protein (p.Pro4Leu). The proline residue is moderately conserved and there is a moderate physicochemical difference between proline and leucine. Algorithms developed to predict the effect of missense changes on protein structure and function are either unavailable or do not agree on the potential impact of this missense change (SIFT: "Deleterious"; PolyPhen-2: "Benign"; Align-GVGD: "Class C0"). In summary, the available evidence is currently insufficient to determine the role of this variant in disease. Therefore, it has been classified as a Variant of Uncertain Significance.

NM_017950.4(CCDC40):c.11C>T (p.Pro4Leu)

Gene: CCDC40 (coiled-coil domain 40 molecular ruler complex subunit; plus strand). Cytogenetic location: 17q25.3.
Variant type: single nucleotide variant.
Coding change: c.11C>T on transcript NM_017950.4 (MANE Select); coding-DNA position 11, C replaced by T.
Protein change: p.Pro4Leu; replaces proline 4 with leucine.
Molecular consequence: missense variant.
Genome position (GRCh38, 1-based): chr17:80,036,673, C>T. VCF-style: chr17-80036673-C-T. GRCh37 (hg19) VCF-style: chr17-78010472-C-T.
Other names: c.11C>T, p.Pro4Leu (NM_001243342.2, NM_001330508.2); short protein forms P4L.
Identifiers: ClinVar variation 665798 (VCV000665798.10), dbSNP rs776947186, ClinGen allele CA8813327.